The following is an entry in ClinVar:

ClinVar aggregate classification (germline): Likely benign. Review status: criteria provided, multiple submitters, no conflicts (2 of 4 stars). 2 submissions from 2 submitters: Likely benign (2). Last evaluated 2025-01-01.

Conditions:
Cardiovascular phenotype. Identifiers: MedGen CN230736.

gnomAD v4.1: 3 of 1,613,108 alleles (0.00019%); highest among the groups gnomAD compares: Non-Finnish European, 0.00025%; no homozygotes.

Submissions (2):

CeGaT Center for Human Genetics Tuebingen
Classification: Likely benign. Last evaluated: 2025-01-01. Review status: criteria provided, single submitter. Criteria: CeGaT Center For Human Genetics Tuebingen Variant Classification Criteria Version 2. Collection method: clinical testing. Allele origin: germline. Affected: yes. Observed: 1 variant allele.
Comment: TNXB: BP4, BP7

Ambry Genetics
Classification: Likely benign for Cardiovascular phenotype. Last evaluated: 2024-10-27. Review status: criteria provided, single submitter. Criteria: Ambry Variant Classification Scheme 2023. Collection method: clinical testing. Allele origin: germline.

NM_001365276.2(TNXB):c.9102T>C (p.Ala3034=)

Gene: TNXB (tenascin XB; minus strand). Cytogenetic location: 6p21.33.
Variant type: single nucleotide variant.
Coding change: c.9102T>C on transcript NM_001365276.2 (MANE Select); coding-DNA position 9102, T replaced by C.
Protein change: p.Ala3034=; no amino-acid change (alanine 3034 retained).
Molecular consequence: synonymous variant.
Genome position (GRCh38, 1-based): chr6:32,052,683, A>G on the plus strand (T>C on the coding strand, the complement: TNXB is on the minus strand). VCF-style: chr6-32052683-A-G. GRCh37 (hg19) VCF-style: chr6-32020460-A-G.
Other names: c.9843T>C, p.Ala3281= (NM_001428335.1); c.9096T>C, p.Ala3032= (NM_019105.8).
Identifiers: ClinVar variation 3459872 (VCV003459872.14).